The following is an entry in ClinVar:

ClinVar aggregate classification (germline): Uncertain significance (1 of 4 stars; one submission).

Submission:

GeneDx
Classification: Uncertain significance. Last evaluated: 2023-02-10. Review status: criteria provided, single submitter. Criteria: GeneDx Variant Classification Process June 2021. Collection method: clinical testing. Allele origin: germline. Affected: yes.
Comment: Not observed at significant frequency in large population cohorts (gnomAD); In silico analysis supports that this missense variant does not alter protein structure/function; Has not been previously published as pathogenic or benign to our knowledge

NM_001330288.2(SMARCC2):c.3564G>T (p.Leu1188Phe)

Gene: SMARCC2 (SWI/SNF related BAF chromatin remodeling complex subunit C2; minus strand). Cytogenetic location: 12q13.2.
Variant type: single nucleotide variant.
Coding change: c.3564G>T on transcript NM_001330288.2 (MANE Select); coding-DNA position 3564, G replaced by T.
Protein change: p.Leu1188Phe; replaces leucine 1188 with phenylalanine.
Molecular consequence: missense variant. On other transcripts: intron variant (2).
Genome position (GRCh38, 1-based): chr12:56,164,400, C>A on the plus strand (G>T on the coding strand, the complement: SMARCC2 is on the minus strand). VCF-style: chr12-56164400-C-A. GRCh37 (hg19) VCF-style: chr12-56558184-C-A.
Other names: c.3471G>T, p.Leu1157Phe (NM_003075.5); c.3316+248G>T (NM_139067.4); c.3317-32G>T (NM_001130420.3); short protein forms L1157F, L1188F.
Identifiers: ClinVar variation 2575760 (VCV002575760.1), dbSNP rs2540836166, ClinGen allele CA385337883.